The following is an entry in ClinVar:

ClinVar aggregate classification (germline): Likely benign (1 of 4 stars; one submission).

Allele frequency attached by ClinVar (database versions not stated): 1000 Genomes Project 30x 0.00047; 1000 Genomes Project 0.00060; TOPMed 0.00093; gnomAD 0.00095; ESP Exome Variant Server 0.00115.
gnomAD v4.1: 2,064 of 1,613,478 alleles (0.13%); highest among the groups gnomAD compares: Non-Finnish European, 0.15%; 2 homozygotes.

Submission:

CeGaT Center for Human Genetics Tuebingen
Classification: Likely benign. Last evaluated: 2022-06-01. Review status: criteria provided, single submitter. Criteria: CeGaT Center For Human Genetics Tuebingen Variant Classification Criteria Version 2. Collection method: clinical testing. Allele origin: germline. Affected: yes. Observed: 1 variant allele.
Comment: ZHX2: BP4, BP7

NM_014943.5(ZHX2):c.30A>G (p.Pro10=)

Gene: ZHX2 (zinc fingers and homeoboxes 2; plus strand). Cytogenetic location: 8q24.13.
Variant type: single nucleotide variant.
Coding change: c.30A>G on transcript NM_014943.5 (MANE Select); coding-DNA position 30, A replaced by G.
Protein change: p.Pro10=; no amino-acid change (proline 10 retained).
Molecular consequence: synonymous variant.
Genome position (GRCh38, 1-based): chr8:122,951,540, A>G. VCF-style: chr8-122951540-A-G. GRCh37 (hg19) VCF-style: chr8-123963780-A-G.
Other names: c.30A>G, p.Pro10= (NM_001362797.2, NM_001412796.1, NM_001412797.1 and 16 more transcripts).
Identifiers: ClinVar variation 2658788 (VCV002658788.24), dbSNP rs146817834, ClinGen allele CA4862088.